The following is an entry in ClinVar:

NM_003244.4(TGIF1):c.526A>G (p.Thr176Ala)

Gene: TGIF1 (TGFB induced factor homeobox 1; plus strand). Cytogenetic location: 18p11.31.
Variant type: single nucleotide variant.
Coding change: c.526A>G on transcript NM_003244.4 (MANE Select); coding-DNA position 526, A replaced by G.
Protein change: p.Thr176Ala; replaces threonine 176 with alanine.
Molecular consequence: missense variant.
Genome position (GRCh38, 1-based): chr18:3,457,647, A>G. VCF-style: chr18-3457647-A-G. GRCh37 (hg19) VCF-style: chr18-3457645-A-G.
Other names: c.535A>G, p.Thr179Ala (NM_001278682.2); c.526A>G, p.Thr176Ala (NM_001278684.2, NM_173208.3); c.466A>G, p.Thr156Ala (NM_001278686.3, NM_001374396.1, NM_001374397.1 and 5 more transcripts); c.568A>G, p.Thr190Ala (NM_173207.4); c.526A>G (NM_173208.1); short protein forms T176A, T156A, T179A, T190A.
Identifiers: ClinVar variation 2152994 (VCV002152994.5), dbSNP rs771838191, ClinGen allele CA8875971.

ClinVar aggregate classification (germline): Uncertain significance. Review status: criteria provided, multiple submitters, no conflicts (2 of 4 stars). 2 submissions from 2 submitters: Uncertain significance (2). Last evaluated 2025-08-11.

Conditions:
Inborn genetic diseases. Identifiers: MedGen C0950123, MeSH D030342.
Holoprosencephaly 4 (HPE4). Identifiers: Orphanet 2162, MedGen C1840528, MONDO:0007734, OMIM 142946.

Allele frequency attached by ClinVar (database versions not stated): ExAC 0.00001; gnomAD 0.00001; gnomAD exomes 0.00001; TOPMed 0.00001.
gnomAD v4.1: 18 of 1,614,080 alleles (0.0011%); highest among the groups gnomAD compares: Non-Finnish European, 0.0014%; no homozygotes.

Submissions (2):

Labcorp Genetics (formerly Invitae), Labcorp
Classification: Uncertain significance for Holoprosencephaly 4. Last evaluated: 2025-08-11. Review status: criteria provided, single submitter. Criteria: Invitae Variant Classification Sherloc (09022015). Collection method: clinical testing. Allele origin: germline.
Comment: This sequence change replaces threonine, which is neutral and polar, with alanine, which is neutral and non-polar, at codon 176 of the TGIF1 protein (p.Thr176Ala). This variant is present in population databases (rs771838191, gnomAD 0.002%). This variant has not been reported in the literature in individuals affected with TGIF1-related conditions. ClinVar contains an entry for this variant (Variation ID: 2152994). Invitae Evidence Modeling of protein sequence and biophysical properties (such as structural, functional, and spatial information, amino acid conservation, physicochemical variation, residue mobility, and thermodynamic stability) indicates that this missense variant is not expected to disrupt TGIF1 protein function with a negative predictive value of 80%. In summary, the available evidence is currently insufficient to determine the role of this variant in disease. Therefore, it has been classified as a Variant of Uncertain Significance.

Ambry Genetics
Classification: Uncertain significance for Inborn genetic diseases. Last evaluated: 2021-06-22. Review status: criteria provided, single submitter. Criteria: Ambry Variant Classification Scheme 2023. Collection method: clinical testing. Allele origin: germline.